The following is an entry in ClinVar:

NM_000503.6(EYA1):c.1714dup (p.Trp572fs)

Gene: EYA1 (EYA transcriptional coactivator and phosphatase 1; minus strand). Cytogenetic location: 8q13.3.
Variant type: Duplication.
Coding change: c.1714dup on transcript NM_000503.6 (MANE Select); coding-DNA position 1714, one base duplicated (T; older notation c.1714dupT).
Protein change: p.Trp572fs; shifts the reading frame from tryptophan 572.
Molecular consequence: frameshift variant.
Genome position (GRCh38, 1-based): chr8:71,199,405, A duplicated on the plus strand (T on the coding strand, the reverse complement: EYA1 is on the minus strand). VCF-style (leftmost placement, unchanged base first): chr8-71199404-C-CA. GRCh37 (hg19) VCF-style: chr8-72111639-C-CA.
Other names: c.1696dup, p.Trp566fs (NM_001288574.2, NM_172059.5); c.1348dup, p.Trp450fs (NM_001288575.2); c.1801dup, p.Trp601fs (NM_001370333.1); c.1714dup, p.Trp572fs (NM_001370334.1, NM_001370335.1, NM_172058.4); c.1693dup, p.Trp565fs (NM_001370336.1); short protein forms W572fs, W565fs, W601fs, W450fs, W566fs.
Identifiers: ClinVar variation 422377 (VCV000422377.2), dbSNP rs1064795739, ClinGen allele CA16618691.

ClinVar aggregate classification (germline): Likely pathogenic (1 of 4 stars; one submission).

Submission:

GeneDx
Classification: Likely pathogenic. Last evaluated: 2016-10-07. Review status: criteria provided, single submitter. Criteria: GeneDx Variant Classification (06012015). Collection method: clinical testing. Allele origin: germline. Affected: yes.
Comment: A novel c.1714dupT variant was identified in the EYA1 gene. It has not been published as a pathogenic variant, nor has it been reported as a benign variant to our knowledge. The c.1714dupT variant causes a frameshift starting with codon Tryptophan 572, changes this amino acid to a Leucine residue and creates a premature Stop codon at position 60 of the new reading frame, denoted p.Trp572LeufsX60. c.1714dupT was not observed in approximately 6,500 individuals of European and African American ancestry in the NHLBI Exome Sequencing Project, indicating it is not a common benign variant in these populations. This variant is not predicted to cause loss of normal protein function through protein truncation or nonsense-mediated mRNA decay, as only the final 21 amino acids are replaced by 59 incorrect amino acids. However, downstream protein elongation variants have been reported in the Human Gene Mutation Database in association with branchiootorenal syndrome (Stenson et al., 2014). In the absence of RNA/functional studies, the actual effect of this variant is unknown. Therefore, we consider this variant to be likely pathogenic.